The following is an entry in ClinVar:

ClinVar aggregate classification (germline): Likely benign (0 of 4 stars; one submission).

Conditions:
SPTBN5-related disorder. Also called: SPTBN5-related condition.

Allele frequency attached by ClinVar (database versions not stated): ESP Exome Variant Server 0.00024; gnomAD 0.00024; gnomAD exomes 0.00030; TOPMed 0.00037; ExAC 0.00059.

Submission:

PreventionGenetics, part of Exact Sciences
Classification: Likely benign for SPTBN5-related condition. Last evaluated: 2019-09-19. Review status: no assertion criteria provided. Collection method: clinical testing. Allele origin: germline.
Comment: This variant is classified as likely benign based on ACMG/AMP sequence variant interpretation guidelines (Richards et al. 2015 PMID: 25741868, with internal and published modifications).

NM_016642.4(SPTBN5):c.8592G>A (p.Val2864=)

Gene: SPTBN5 (spectrin beta, non-erythrocytic 5; minus strand). Cytogenetic location: 15q15.1.
Variant type: single nucleotide variant.
Coding change: c.8592G>A on transcript NM_016642.4 (MANE Select); coding-DNA position 8592, G replaced by A.
Protein change: p.Val2864=; no amino-acid change (valine 2864 retained).
Molecular consequence: synonymous variant.
Genome position (GRCh38, 1-based): chr15:41,857,267, C>T on the plus strand (G>A on the coding strand, the complement: SPTBN5 is on the minus strand). VCF-style: chr15-41857267-C-T. GRCh37 (hg19) VCF-style: chr15-42149465-C-T.
Identifiers: ClinVar variation 3040136 (VCV003040136.2), dbSNP rs371705991, ClinGen allele CA7501799.